The following is an entry in ClinVar:

ClinVar aggregate classification (germline): Pathogenic (1 of 4 stars; one submission).

Conditions:
Hypogonadotropic hypogonadism 2 with or without anosmia (HH2). Also called: FGFR1-Related GnRH Deficiency (Kallmann Syndrome 2); HYPOGONADOTROPIC HYPOGONADISM 2 WITH OR WITHOUT ANOSMIA, SUSCEPTIBILITY TO; HYPOGONADOTROPIC HYPOGONADISM 2 WITHOUT ANOSMIA, SUSCEPTIBILITY TO; HYPOGONADOTROPIC HYPOGONADISM 2 WITHOUT ANOSMIA. Identifiers: Orphanet 478, MedGen C1563720, MONDO:0007844, OMIM 147950. Disease mechanism: loss of function.

Submission:

Victorian Clinical Genetics Services, Murdoch Childrens Research Institute
Classification: Pathogenic for Hypogonadotropic hypogonadism 2 with or without anosmia. Last evaluated: 2024-10-09. Review status: criteria provided, single submitter. Criteria: ACMG Guidelines, 2015. Collection method: clinical testing. Allele origin: germline. Inheritance: Autosomal dominant inheritance. Affected: yes.
Comment: Based on the classification scheme VCGS_Germline_v1.3.4, this variant is classified as Pathogenic. Following criteria are met: 0103 - Loss of function and gain of function are known mechanisms of disease in this gene and are associated with FGFR1-related disease. Loss of function missense variants and variants predicted to undergo nonsense-mediated decay have been reported to cause Hartsfield syndrome (MIM#615465) and hypogonadotropic hypogonadism-2 (HH2; MIM#147950). Gain of function missense variants have been reported to cause encephalocraniocutaneous lipomatosis, somatic mosaic (MIM#613001) and osteoglophonic dysplasia (MIM#166250). Additional missense variants have been reported in patients with Jackson-Weiss syndrome (MIM#123150), Pfeiffer syndrome (MIM#101600) or trigonocephaly 1 (MIM#190440) however, the mechanism of these variants is unknown (OMIM, PMID: 18034870, 23812909, 26942290). (I) 0107 - This gene is associated with autosomal dominant disease. Biallelic missense variants have been rarely reported in patients with Hartsfield syndrome (PMID: 23812909). (I) 0115 - Variants in this gene are known to have variable expressivity in patients with HH2 (PMID: 18034870). (I) 0201 - Variant is predicted to cause nonsense-mediated decay (NMD) and loss of protein (premature termination codon is located at least 54 nucleotides upstream of the final exon-exon junction). (SP) 0251 - This variant is heterozygous. (I) 0301 - Variant is absent from gnomAD (both v2 and v3). (SP) 0701 - Many other NMD-predicted variants comparable to the one identified in this case have very strong previous evidence for pathogenicity individuals with hypogonadotropic hypogonadism (DECIPHER). (SP) 0807 - This variant has no previous evidence of pathogenicity. (I) 0905 - No published segregation evidence has been identified for this variant. (I) 1007 - No published functional evidence has been identified for this variant. (I) 1208 - Inheritance information for this variant is not currently available in this individual. (I) Legend: (SP) - Supporting pathogenic, (I) - Information, (SB) - Supporting benign

Literature cited by the submitters: PubMed 18034870; PubMed 23812909; PubMed 26942290.

NM_023110.3(FGFR1):c.1761_1777del (p.Ser588fs)

Gene: FGFR1 (fibroblast growth factor receptor 1; minus strand). Cytogenetic location: 8p11.23.
Variant type: Deletion.
Coding change: c.1761_1777del on transcript NM_023110.3 (MANE Select); coding-DNA positions 1761 to 1777, 17 bases deleted (CAGCCACAACCCAGAGG).
Protein change: p.Ser588fs; shifts the reading frame from serine 588.
Molecular consequence: frameshift variant.
Genome position (GRCh38, 1-based): chr8:38,415,947-38,415,963, CCTCTGGGTTGTGGCTG deleted on the plus strand (CAGCCACAACCCAGAGG on the coding strand, the reverse complement: FGFR1 is on the minus strand). VCF-style (leftmost placement, unchanged base first): chr8-38415946-TCCTCTGGGTTGTGGCTG-T. GRCh37 (hg19) VCF-style: chr8-38273464-TCCTCTGGGTTGTGGCTG-T.
Other names: c.1755_1771del, p.Ser586fs (NM_001174063.2, NM_001174065.2, NM_001354367.2 and 1 more transcripts); c.1731_1747del, p.Ser578fs (NM_001174064.2); c.1494_1510del, p.Ser499fs (NM_001174066.2, NM_023105.3); c.1854_1870del, p.Ser619fs (NM_001174067.2); c.1482_1498del, p.Ser495fs (NM_001354368.2); c.1749_1765del, p.Ser584fs (NM_001354369.2, NM_001410922.1); c.1488_1504del, p.Ser497fs (NM_001354370.2, NM_023106.3); c.1761_1777del17, p.Ser588Alafs (NM_023110.2); short protein forms S495fs, S497fs, S499fs, S578fs, S584fs, S586fs, S588fs, S619fs.
Identifiers: ClinVar variation 3377156 (VCV003377156.1).